The following is an entry in ClinVar:

NM_000540.3(RYR1):c.10945G>C (p.Ala3649Pro)

Gene: RYR1 (ryanodine receptor 1; plus strand). Cytogenetic location: 19q13.2.
Variant type: single nucleotide variant.
Coding change: c.10945G>C on transcript NM_000540.3 (MANE Select); coding-DNA position 10945, G replaced by C.
Protein change: p.Ala3649Pro; replaces alanine 3649 with proline.
Molecular consequence: missense variant.
Genome position (GRCh38, 1-based): chr19:38,528,606, G>C. VCF-style: chr19-38528606-G-C. GRCh37 (hg19) VCF-style: chr19-39019246-G-C.
Other names: c.10930G>C, p.Ala3644Pro (NM_001042723.2); short protein forms A3649P, A3644P.
Identifiers: ClinVar variation 2886350 (VCV002886350.4), dbSNP rs1971588544, ClinGen allele CA405649691.
Genomic context (GRCh38, chr19:38,528,606, plus strand): 5'-CGGGAAGCACGGAGGAGGGCGCGTCCCAGTGACGTCACACCTCTCCCCTGCAGGCACCGG[G>C]CATGTAACATGTTCCTGGAGAGCTACAAGGCTGCATGGATCCTGACTGAAGACCACAGTT-3'
Protein context (NP_000531.2, residues 3639-3659): TPLYNLPTHR[Ala3649Pro]CNMFLESYKA

ClinVar aggregate classification (germline): Uncertain significance. Review status: criteria provided, multiple submitters, no conflicts (2 of 4 stars). 2 submissions from 2 submitters: Uncertain significance (2). Last evaluated 2024-05-14.

Conditions:
Malignant hyperthermia, susceptibility to, 1 (MHS1). Also called: Anesthesia related hyperthermia; Malignant hyperpyrexia; Fulminating hyperpyrexia; Pharmacogenic myopathy; RYR1-Related Malignant Hyperthermia Susceptibility; Malignant hyperthermia suceptibility 1. Identifiers: Orphanet 423, MedGen C2930980, MONDO:0007783, OMIM 145600.
RYR1-related disorder. Also called: RYR1-related disorders; RYR1-related condition. Identifiers: MedGen CN239331.

Submissions (2):

All of Us Research Program, National Institutes of Health
Classification: Uncertain significance for Malignant hyperthermia, susceptibility to, 1. Last evaluated: 2024-05-14. Review status: criteria provided, single submitter. Criteria: ACMG Guidelines, 2015. Collection method: clinical testing. Allele origin: germline. Inheritance: Autosomal dominant inheritance. Observed: 1 variant allele, 1 heterozygote.
Comment: This missense variant replaces alanine with proline at codon 3649 of the RYR1 protein. Computational prediction suggests that this variant may have deleterious impact on protein structure and function (internally defined REVEL score threshold >= 0.7, PMID: 27666373). To our knowledge, functional studies have not been reported for this variant. This variant has not been reported in individuals affected with RYR1-related disorders in the literature. This variant has not been identified in the general population by the Genome Aggregation Database (gnomAD). The available evidence is insufficient to determine the role of this variant in disease conclusively. Therefore, this variant is classified as a Variant of Uncertain Significance.

This study involves interpretation of variants in research participants for the purpose of population health screening. Participant phenotype was not available at the time of variant classification. Additional details can be found in publication PMID: 35346344, PMCID: PMC8962531

Labcorp Genetics (formerly Invitae), Labcorp
Classification: Uncertain significance for RYR1-related disorder. Last evaluated: 2024-01-15. Review status: criteria provided, single submitter. Criteria: Invitae Variant Classification Sherloc (09022015). Collection method: clinical testing. Allele origin: germline.
Comment: This sequence change replaces alanine, which is neutral and non-polar, with proline, which is neutral and non-polar, at codon 3649 of the RYR1 protein (p.Ala3649Pro). This variant is not present in population databases (gnomAD no frequency). This variant has not been reported in the literature in individuals affected with RYR1-related conditions. Advanced modeling of protein sequence and biophysical properties (such as structural, functional, and spatial information, amino acid conservation, physicochemical variation, residue mobility, and thermodynamic stability) performed at Invitae indicates that this missense variant is expected to disrupt RYR1 protein function with a positive predictive value of 95%. In summary, the available evidence is currently insufficient to determine the role of this variant in disease. Therefore, it has been classified as a Variant of Uncertain Significance.